The following is an entry in ClinVar:

NM_000059.4(BRCA2):c.667C>T (p.His223Tyr)

Gene: BRCA2 (BRCA2 DNA repair associated; plus strand). Cytogenetic location: 13q13.1.
Variant type: single nucleotide variant.
Coding change: c.667C>T on transcript NM_000059.4 (MANE Select); coding-DNA position 667, C replaced by T.
Protein change: p.His223Tyr; replaces histidine 223 with tyrosine.
Molecular consequence: missense variant.
Genome position (GRCh38, 1-based): chr13:32,329,478, C>T. VCF-style: chr13-32329478-C-T. GRCh37 (hg19) VCF-style: chr13-32903615-C-T.
Other names: short protein forms H223Y.
Identifiers: ClinVar variation 1514763 (VCV001514763.8), dbSNP rs2137458377, ClinGen allele CA387759485.

ClinVar aggregate classification (germline): Uncertain significance (1 of 4 stars; one submission).

Conditions:
Hereditary breast ovarian cancer syndrome. Also called: Hereditary breast and/or ovarian cancer syndrome; Breast and ovarian cancer; Hereditary breast and ovarian cancer; BRCA1- and BRCA2-Associated Hereditary Breast and Ovarian Cancer; Hereditary breast and ovarian cancer syndrome; Hereditary breast and ovarian cancer syndrome (HBOC). Identifiers: Orphanet 145, MedGen C0677776, MeSH D061325, MONDO:0003582. Disease mechanism: loss of function.

Submission:

Labcorp Genetics (formerly Invitae), Labcorp
Classification: Uncertain significance for Hereditary breast ovarian cancer syndrome. Last evaluated: 2023-06-05. Review status: criteria provided, single submitter. Criteria: Invitae Variant Classification Sherloc (09022015). Collection method: clinical testing. Allele origin: germline.
Comment: In summary, the available evidence is currently insufficient to determine the role of this variant in disease. Therefore, it has been classified as a Variant of Uncertain Significance. Advanced modeling of protein sequence and biophysical properties (such as structural, functional, and spatial information, amino acid conservation, physicochemical variation, residue mobility, and thermodynamic stability) performed at Invitae indicates that this missense variant is not expected to disrupt BRCA2 protein function. ClinVar contains an entry for this variant (Variation ID: 1514763). This variant has not been reported in the literature in individuals affected with BRCA2-related conditions. This variant is not present in population databases (gnomAD no frequency). This sequence change replaces histidine, which is basic and polar, with tyrosine, which is neutral and polar, at codon 223 of the BRCA2 protein (p.His223Tyr).